The following is an entry in ClinVar:

NM_001267550.2(TTN):c.58208del (p.Ala19403fs)

Genes: TTN (titin; minus strand), TTN-AS1 (TTN antisense RNA 1; plus strand). Cytogenetic location: 2q31.2.
Variant type: Deletion.
Coding change: c.58208del on transcript NM_001267550.2 (MANE Select); coding-DNA position 58208, one base deleted (C; older notation c.58208delC).
Protein change: p.Ala19403fs; shifts the reading frame from alanine 19403.
Molecular consequence: frameshift variant.
Genome position (GRCh38, 1-based): chr2:178,594,185, G deleted on the plus strand (C on the coding strand, the reverse complement: TTN is on the minus strand). VCF-style (leftmost placement, unchanged base first): chr2-178594184-AG-A. GRCh37 (hg19) VCF-style: chr2-179458911-AG-A.
Other names: c.53285del, p.Ala17762fs (NM_001256850.1); c.31013del, p.Ala10338fs (NM_003319.4); c.50504del, p.Ala16835fs (NM_133378.4); c.31388del, p.Ala10463fs (NM_133432.3); c.31589del, p.Ala10530fs (NM_133437.4); c.31013delC (NM_003319.4); short protein forms A10338fs, A10463fs, A10530fs, A16835fs, A17762fs, A19403fs.
Identifiers: ClinVar variation 1067232 (VCV001067232.11), dbSNP rs2154187038, ClinGen allele CA2499215407.

ClinVar aggregate classification (germline): Likely pathogenic. Review status: criteria provided, multiple submitters, no conflicts (2 of 4 stars). 3 submissions from 3 submitters: Likely pathogenic (3). Last evaluated 2025-05-28.

Conditions:
Autosomal recessive limb-girdle muscular dystrophy type 2J (LGMDR10). Also called: MUSCULAR DYSTROPHY, LIMB-GIRDLE, AUTOSOMAL RECESSIVE 10; Limb-girdle muscular dystrophy, type 2J. Identifiers: Orphanet 140922, MedGen C1837342, MONDO:0012127, OMIM 608807.
Dilated cardiomyopathy 1G (CMD1G). Identifiers: Orphanet 154, MedGen C1858763, MONDO:0011400, OMIM 604145.
TTN-related disorder. Also called: TTN-related condition; TTN-related disease; TTN-related disorders.
Cardiovascular phenotype. Identifiers: MedGen CN230736.

Submissions (3):

Ambry Genetics
Classification: Likely pathogenic for Cardiovascular phenotype. Last evaluated: 2025-05-28. Review status: criteria provided, single submitter. Criteria: Ambry Variant Classification Scheme 2023. Collection method: clinical testing. Allele origin: germline.
Comment: The c.31013delC variant, located in coding exon 124 of the TTN gene, results from a deletion of one nucleotide at nucleotide position 31013, causing a translational frameshift with a predicted alternate stop codon (p.A10338Vfs*33). This exon is located in the A-band region of the N2-B isoform of the titin protein and is constitutively expressed in TTN transcripts (percent spliced in or PSI 100%). This variant is expected to result in loss of function by premature protein truncation or nonsense-mediated mRNA decay. While truncating variants in TTN are present in 1-3% of the general population, truncating variants in the A-band are the most common cause of dilated cardiomyopathy (Herman DS et al. N. Engl. J. Med., 2012 Feb;366:619-28; Roberts AM et al. Sci Transl Med, 2015 Jan;7:270ra6). TTN truncating variants encoded in constitutive exons (PSI >90%) have been found to be significantly associated with DCM regardless of their position in titin (Schafer S et al. Nat. Genet., 2017 01;49:46-53; Akhtar MM et al. Circ Heart Fail, 2020 Oct;13:e006832; Massier M et al. Clin Genet, 2025 Jan). This variant is considered to be rare based on population cohorts in the Genome Aggregation Database (gnomAD). Based on the majority of available evidence to date, this variant is likely to be pathogenic.

Labcorp Genetics (formerly Invitae), Labcorp
Classification: Likely pathogenic for Dilated cardiomyopathy 1G; Autosomal recessive limb-girdle muscular dystrophy type 2J. Last evaluated: 2025-03-03. Review status: criteria provided, single submitter. Criteria: Invitae Variant Classification Sherloc (09022015). Collection method: clinical testing. Allele origin: germline.
Comment: This sequence change creates a premature translational stop signal (p.Ala19403Valfs*33) in the TTN gene. While this is not anticipated to result in nonsense mediated decay, it is expected to create a truncated TTN protein. This variant is not present in population databases (gnomAD no frequency). This variant has not been reported in the literature in individuals affected with TTN-related conditions. ClinVar contains an entry for this variant (Variation ID: 1067232). This variant is located in the A band of TTN (PMID: 25589632). Truncating variants in this region are significantly overrepresented in patients affected with dilated cardiomyopathy (PMID: 25589632). Truncating variants in this region have also been reported in individuals affected with autosomal recessive centronuclear myopathy (PMID: 23975875). In summary, the currently available evidence indicates that the variant is pathogenic, but additional data are needed to prove that conclusively. Therefore, this variant has been classified as Likely Pathogenic.

Blueprint Genetics
Classification: Likely pathogenic for TTN-related disorders. Last evaluated: 2020-12-08. Review status: criteria provided, single submitter. Criteria: ACMG Guidelines, 2015. Collection method: clinical testing. Allele origin: germline. Affected: yes. Observed: 1 variant allele.

Literature cited by the submitters: PubMed 25589632 (cited by Labcorp Genetics (formerly Invitae), Labcorp); PubMed 23975875 (cited by Labcorp Genetics (formerly Invitae), Labcorp).